The following is an entry in ClinVar:

NM_000038.6(APC):c.1682A>G (p.Lys561Arg)

Gene: APC (APC regulator of Wnt signaling pathway; plus strand). Cytogenetic location: 5q22.2.
Variant type: single nucleotide variant.
Coding change: c.1682A>G on transcript NM_000038.6 (MANE Select); coding-DNA position 1682, A replaced by G.
Protein change: p.Lys561Arg; replaces lysine 561 with arginine.
Molecular consequence: missense variant.
Genome position (GRCh38, 1-based): chr5:112,828,911, A>G. VCF-style: chr5-112828911-A-G. GRCh37 (hg19) VCF-style: chr5-112164608-A-G.
Other names: c.1682A>G, p.Lys561Arg (NM_001127510.3, NM_001354895.2); c.1628A>G, p.Lys543Arg (NM_001127511.3); c.1736A>G, p.Lys579Arg (NM_001354896.2); c.1712A>G, p.Lys571Arg (NM_001354897.2); c.1607A>G, p.Lys536Arg (NM_001354898.2); c.1598A>G, p.Lys533Arg (NM_001354899.2); c.1559A>G, p.Lys520Arg (NM_001354900.2); c.1505A>G, p.Lys502Arg (NM_001354901.2); and 5 more; short protein forms K543R, K561R, K278R, K470R, K579R, K460R, K536R, K571R.
Identifiers: ClinVar variation 577613 (VCV000577613.10), dbSNP rs1561557634, ClinGen allele CA16024986.
Genomic context (GRCh38, chr5:112,828,911, plus strand): 5'-TGCAGGTTATTGCGAGTGTTTTGAGGAATTTGTCTTGGCGAGCAGATGTAAATAGTAAAA[A>G]GACGTTGCGAGAAGTTGGAAGTGTGAAAGCATTGATGGAATGTGCTTTAGAAGTTAAAAA-3'
Protein context (NP_000029.2, residues 551-571): LSWRADVNSK[Lys561Arg]TLREVGSVKA

ClinVar aggregate classification (germline): Uncertain significance (1 of 4 stars; one submission).

Conditions:
Familial adenomatous polyposis 1 (FAP1). Also called: POLYPOSIS, ADENOMATOUS INTESTINAL; FAMILIAL ADENOMATOUS POLYPOSIS 1, ATTENUATED. Identifiers: MedGen C2713442, MONDO:0021056, OMIM 175100. Disease mechanism: loss of function.

Submission:

Labcorp Genetics (formerly Invitae), Labcorp
Classification: Uncertain significance for Familial adenomatous polyposis 1. Last evaluated: 2018-06-16. Review status: criteria provided, single submitter. Criteria: Invitae Variant Classification Sherloc (09022015). Collection method: clinical testing. Allele origin: germline.
Comment: This variant has not been reported in the literature in individuals with APC-related disease. This variant is not present in population databases (ExAC no frequency). This sequence change replaces lysine with arginine at codon 561 of the APC protein (p.Lys561Arg). The lysine residue is highly conserved and there is a small physicochemical difference between lysine and arginine. Algorithms developed to predict the effect of missense changes on protein structure and function (SIFT, PolyPhen-2, Align-GVGD) all suggest that this variant is likely to be tolerated, but these predictions have not been confirmed by published functional studies and their clinical significance is uncertain. In summary, the available evidence is currently insufficient to determine the role of this variant in disease. Therefore, it has been classified as a Variant of Uncertain Significance.